The following is an entry in ClinVar:

NM_017780.4(CHD7):c.1774_1778del (p.Gln592fs)

Genes: CHD7 (chromodomain helicase DNA binding protein 7; plus strand), LOC126860403 (CDK7 strongly-dependent group 2 enhancer GRCh37_chr8:61693034-61694233; plus strand). Cytogenetic location: 8q12.2.
Variant type: Deletion.
Coding change: c.1774_1778del on transcript NM_017780.4 (MANE Select); coding-DNA positions 1774 to 1778, 5 bases deleted (CAGCA; older notation c.1774_1778delCAGCA).
Protein change: p.Gln592fs; shifts the reading frame from glutamine 592.
Molecular consequence: frameshift variant. On other transcripts: intron variant (1).
Genome position (GRCh38, 1-based): chr8:60,781,108-60,781,112, CAGCA deleted; deleting any 5 consecutive bases within chr8:60,781,107-60,781,112 gives the same sequence; the c. name uses the placement nearest the transcript's 3' end. VCF-style (leftmost placement, unchanged base first): chr8-60781106-AACAGC-A. GRCh37 (hg19) VCF-style: chr8-61693665-AACAGC-A.
Other names: c.1716+58_1716+62del (NM_001316690.1); short protein forms Q592fs.
Identifiers: ClinVar variation 1363858 (VCV001363858.6), dbSNP rs2150669316, ClinGen allele CA2573143242.

ClinVar aggregate classification (germline): Pathogenic (1 of 4 stars; one submission).

Conditions:
CHARGE syndrome (CHARGE). Also called: Hittner Hirsch Kreh syndrome; CHARGE ASSOCIATION--COLOBOMA, HEART ANOMALY, CHOANAL ATRESIA, RETARDATION, GENITAL AND EAR ANOMALIES; Coloboma, heart anomaly, choanal atresia, retardation, genital and ear anomalies; CHARGE association; Hall-Hittner syndrome. Identifiers: Orphanet 138, MedGen C0265354, MONDO:0008965.

Submission:

Labcorp Genetics (formerly Invitae), Labcorp
Classification: Pathogenic for CHARGE syndrome. Last evaluated: 2021-06-05. Review status: criteria provided, single submitter. Criteria: Invitae Variant Classification Sherloc (09022015). Collection method: clinical testing. Allele origin: germline.
Comment: For these reasons, this variant has been classified as Pathogenic. This variant has not been reported in the literature in individuals with CHD7-related conditions. This variant is not present in population databases (ExAC no frequency). This sequence change creates a premature translational stop signal (p.Gln592Alafs*20) in the CHD7 gene. It is expected to result in an absent or disrupted protein product. Loss-of-function variants in CHD7 are known to be pathogenic (PMID: 22461308, 25077900).

Literature cited by the submitters: PubMed 22461308; PubMed 25077900.